The following is an entry in ClinVar:

ClinVar aggregate classification (germline): Benign/Likely benign. Review status: criteria provided, multiple submitters, no conflicts (2 of 4 stars). 3 submissions from 3 submitters: Benign (1); Likely benign (2). Last evaluated 2026-05-18.

Conditions:
Neurofibromatosis, type 1 (NF1). Also called: VON RECKLINGHAUSEN DISEASE; NEUROFIBROMATOSIS, TYPE I, SOMATIC; Neurofibromatosis, type I; Peripheral type neurofibromatosis. Identifiers: Orphanet 636, MedGen C0027831, MONDO:0018975, OMIM 162200. Disease mechanism: loss of function.
Hereditary cancer-predisposing syndrome. Also called: Hereditary Cancer Syndrome; Neoplastic Syndromes, Hereditary; Hereditary neoplastic syndrome; Tumor predisposition. Identifiers: Orphanet 140162, MedGen C0027672, MeSH D009386, MONDO:0015356.
Cardiovascular phenotype. Identifiers: MedGen CN230736.

Allele frequency attached by ClinVar (database versions not stated): TOPMed below 0.00001; gnomAD exomes 0.00001.
gnomAD v4.1: 12 of 1,612,000 alleles (0.00074%); highest among the groups gnomAD compares: Non-Finnish European, 0.001%; no homozygotes.

Submissions (3):

Myriad Genetics, Inc.
Classification: Benign for Neurofibromatosis, type 1. Last evaluated: 2026-05-18. Review status: criteria provided, single submitter. Criteria: Myriad Autosomal Dominant, Autosomal Recessive and X-Linked Classification Criteria (2023). Collection method: clinical testing. Allele origin: unknown.
Comment: This variant is considered benign. This variant is a silent/synonymous amino acid change and it is not expected to impact splicing.

Labcorp Genetics (formerly Invitae), Labcorp
Classification: Likely benign for Neurofibromatosis, type 1. Last evaluated: 2025-06-29. Review status: criteria provided, single submitter. Criteria: Invitae Variant Classification Sherloc (09022015). Collection method: clinical testing. Allele origin: germline.

Ambry Genetics
Classification: Likely benign for Cardiovascular phenotype; Hereditary cancer-predisposing syndrome. Last evaluated: 2020-12-18. Review status: criteria provided, single submitter. Criteria: Ambry Variant Classification Scheme 2023. Collection method: clinical testing. Allele origin: germline.

NM_001042492.3(NF1):c.2583A>G (p.Ala861=)

Gene: NF1 (neurofibromin 1; plus strand). Cytogenetic location: 17q11.2.
Variant type: single nucleotide variant.
Coding change: c.2583A>G on transcript NM_001042492.3 (MANE Select); coding-DNA position 2583, A replaced by G.
Protein change: p.Ala861=; no amino-acid change (alanine 861 retained).
Molecular consequence: synonymous variant.
Genome position (GRCh38, 1-based): chr17:31,229,198, A>G. VCF-style: chr17-31229198-A-G. GRCh37 (hg19) VCF-style: chr17-29556216-A-G.
Other names: c.2583A>G, p.Ala861= (NM_000267.4).
Identifiers: ClinVar variation 412966 (VCV000412966.11), dbSNP rs1060503891, ClinGen allele CA16615624.
Genomic context (GRCh38, chr17:31,229,198, plus strand): 5'-TGGCTTCCTTTGTGCCCTTGGGGGAGTGTGCCTCCAGCAGAGAAGCAATTCTGGCCTGGC[A>G]ACCTATAGCCCACCCATGGGTCCAGTCAGTGAACGTAAGGGTTCTATGATTTCAGTGATG-3'
Protein context (NP_001035957.1, residues 851-871): CLQQRSNSGL[Ala861=]TYSPPMGPVS